The following is an entry in ClinVar:

NM_032242.4(PLXNA1):c.3401G>A (p.Arg1134His)

Gene: PLXNA1 (plexin A1; plus strand). Cytogenetic location: 3q21.3.
Variant type: single nucleotide variant.
Coding change: c.3401G>A on transcript NM_032242.4 (MANE Select); coding-DNA position 3401, G replaced by A.
Protein change: p.Arg1134His; replaces arginine 1134 with histidine.
Molecular consequence: missense variant.
Genome position (GRCh38, 1-based): chr3:127,017,549, G>A. VCF-style: chr3-127017549-G-A. GRCh37 (hg19) VCF-style: chr3-126736392-G-A.
Other names: c.3401G>A (NM_032242.3); short protein forms R1134H.
Identifiers: ClinVar variation 2712981 (VCV002712981.5), dbSNP rs151338706, ClinGen allele CA2594011.

ClinVar aggregate classification (germline): Likely benign. Review status: criteria provided, single submitter (1 of 4 stars). 2 submissions from 2 submitters: Likely benign (1). 1 of the submissions does not count toward it. Last evaluated 2025-10-26.

Conditions:
PLXNA1-related disorder. Also called: PLXNA1-related condition.

Allele frequency attached by ClinVar (database versions not stated): ESP Exome Variant Server 0.00015; gnomAD 0.00017; TOPMed 0.00025; 1000 Genomes Project 30x 0.00078; 1000 Genomes Project 0.00080.
gnomAD v4.1: 209 of 1,613,666 alleles (0.013%); highest among the groups gnomAD compares: East Asian, 0.39%; no homozygotes.

Submissions (2):

Labcorp Genetics (formerly Invitae), Labcorp
Classification: Likely benign. Last evaluated: 2025-10-26. Review status: criteria provided, single submitter. Criteria: Invitae Variant Classification Sherloc (09022015). Collection method: clinical testing. Allele origin: germline.

PreventionGenetics, part of Exact Sciences
Classification: Likely benign for PLXNA1-related condition. Last evaluated: 2021-12-20. Review status: no assertion criteria provided. Collection method: clinical testing. Allele origin: germline. Not counted in ClinVar's aggregate classification.
Comment: This variant is classified as likely benign based on ACMG/AMP sequence variant interpretation guidelines (Richards et al. 2015 PMID: 25741868, with internal and published modifications).